The following is an entry in ClinVar:

ClinVar aggregate classification (germline): Uncertain significance. Review status: criteria provided, multiple submitters, no conflicts (2 of 4 stars). 4 submissions from 4 submitters: Uncertain significance (4). Last evaluated 2025-11-25.

Conditions:
PUM1-related disorder. Also called: PUM1-related disorders; PUM1-related condition.
Inborn genetic diseases. Identifiers: MedGen C0950123, MeSH D030342.

Allele frequency attached by ClinVar (database versions not stated): gnomAD exomes below 0.00001.
gnomAD v4.1: 2 of 1,614,148 alleles (0.00012%); highest among the groups gnomAD compares: Non-Finnish European, 0.000085%; no homozygotes.

Submissions (4):

Ambry Genetics
Classification: Uncertain significance for Inborn genetic diseases. Last evaluated: 2025-11-25. Review status: criteria provided, single submitter. Criteria: Ambry Variant Classification Scheme 2023. Collection method: clinical testing. Allele origin: germline.

GeneDx
Classification: Uncertain significance. Last evaluated: 2025-11-24. Review status: criteria provided, single submitter. Criteria: GeneDx Variant Classification Process June 2021. Collection method: clinical testing. Allele origin: germline.
Comment: Not observed at significant frequency in large population cohorts (gnomAD); In silico analysis supports that this missense variant has a deleterious effect on protein structure/function; Has not been previously published as pathogenic or benign to our knowledge

PreventionGenetics, part of Exact Sciences
Classification: Uncertain significance for PUM1-related condition. Last evaluated: 2023-08-27. Review status: criteria provided, single submitter. Criteria: ACMG Guidelines, 2015. Collection method: clinical testing. Allele origin: germline.
Comment: The PUM1 c.2519G>A variant is predicted to result in the amino acid substitution p.Arg840Gln. To our knowledge, this variant has not been reported in the literature or in a large population database, indicating this variant is rare. At this time, the clinical significance of this variant is uncertain due to the absence of conclusive functional and genetic evidence.

Blueprint Genetics
Classification: Uncertain significance. Last evaluated: 2022-11-15. Review status: criteria provided, single submitter. Criteria: ACMG Guidelines, 2015. Collection method: clinical testing. Allele origin: germline.

NM_001020658.2(PUM1):c.2519G>A (p.Arg840Gln)

Gene: PUM1 (pumilio RNA binding family member 1; minus strand). Cytogenetic location: 1p35.2.
Variant type: single nucleotide variant.
Coding change: c.2519G>A on transcript NM_001020658.2 (MANE Select); coding-DNA position 2519, G replaced by A.
Protein change: p.Arg840Gln; replaces arginine 840 with glutamine.
Molecular consequence: missense variant.
Genome position (GRCh38, 1-based): chr1:30,953,786, C>T on the plus strand (G>A on the coding strand, the complement: PUM1 is on the minus strand). VCF-style: chr1-30953786-C-T. GRCh37 (hg19) VCF-style: chr1-31426633-C-T.
Other names: c.2519G>A, p.Arg840Gln (NM_014676.3); short protein forms R840Q.
Identifiers: ClinVar variation 2634844 (VCV002634844.5), dbSNP rs1234082185, ClinGen allele CA339564505.
Genomic context (GRCh38, chr1:30,953,786, plus strand): 5'-TGGTCTTGGGAAAATTCCATTATATGTCCAGCAATCTCCCGCAGTTGTAAATTGGGGTAC[C>T]GGTTGTTTCGAAAATCTTCCAAAAGCCTGCTCCTGCCAGAAGGCATGACATCAGACATTC-3'
Protein context (NP_001018494.1, residues 830-850): SRLLEDFRNN[Arg840Gln]YPNLQLREIA